The following is an entry in ClinVar:

ClinVar aggregate classification (germline): Uncertain significance (1 of 4 stars; one submission).

Submission:

Mayo Clinic Laboratories, Mayo Clinic
Classification: Uncertain significance. Last evaluated: 2024-07-30. Review status: criteria provided, single submitter. Criteria: ACMG Guidelines, 2015. Collection method: clinical testing. Allele origin: germline. Observed: 1 variant allele.
Comment: BP4, PM2

Literature cited by the submitters: PubMed 38876922.

NM_007272.3(CTRC):c.550G>T (p.Ala184Ser)

Gene: CTRC (chymotrypsin C; plus strand). Cytogenetic location: 1p36.21.
Variant type: single nucleotide variant.
Coding change: c.550G>T on transcript NM_007272.3 (MANE Select); coding-DNA position 550, G replaced by T.
Protein change: p.Ala184Ser; replaces alanine 184 with serine.
Molecular consequence: missense variant.
Genome position (GRCh38, 1-based): chr1:15,444,662, G>T. VCF-style: chr1-15444662-G-T. GRCh37 (hg19) VCF-style: chr1-15771157-G-T.
Other names: p.Ala184Ser; short protein forms A184S.
Identifiers: ClinVar variation 3379418 (VCV003379418.1).